The following is an entry in ClinVar:

ClinVar aggregate classification (germline): Uncertain significance (1 of 4 stars; one submission).

Submission:

GeneDx
Classification: Uncertain significance. Last evaluated: 2024-05-14. Review status: criteria provided, single submitter. Criteria: GeneDx Variant Classification Process June 2021. Collection method: clinical testing. Allele origin: germline. Affected: yes.
Comment: Not observed at significant frequency in large population cohorts (gnomAD); Nonsense variant predicted to result in protein truncation or nonsense mediated decay in a gene or region of a gene for which loss of function is not a well-established mechanism of disease; Has not been previously published as pathogenic or benign to our knowledge

NM_001267550.2(TTN):c.3087T>A (p.Tyr1029Ter)

Gene: TTN (titin; minus strand). Cytogenetic location: 2q31.2.
Variant type: single nucleotide variant.
Coding change: c.3087T>A on transcript NM_001267550.2 (MANE Select); coding-DNA position 3087, T replaced by A.
Protein change: p.Tyr1029Ter; replaces tyrosine 1029 with a stop codon.
Molecular consequence: nonsense.
Genome position (GRCh38, 1-based): chr2:178,782,819, A>T on the plus strand (T>A on the coding strand, the complement: TTN is on the minus strand). VCF-style: chr2-178782819-A-T. GRCh37 (hg19) VCF-style: chr2-179647546-A-T.
Other names: c.3087T>A, p.Tyr1029Ter (NM_001256850.1, NM_133378.4, NM_133379.5); c.2949T>A, p.Tyr983Ter (NM_003319.4, NM_133432.3, NM_133437.4); short protein forms Y1029*, Y983*.
Identifiers: ClinVar variation 3378323 (VCV003378323.1).